The following is an entry in ClinVar:

NM_016507.4(CDK12):c.818A>G (p.Gln273Arg)

Genes: CDK12 (cyclin dependent kinase 12; plus strand), LOC126862553 (CDK7 strongly-dependent group 2 enhancer GRCh37_chr17:37618166-37619365; plus strand). Cytogenetic location: 17q12.
Variant type: single nucleotide variant.
Coding change: c.818A>G on transcript NM_016507.4 (MANE Select); coding-DNA position 818, A replaced by G.
Protein change: p.Gln273Arg; replaces glutamine 273 with arginine.
Molecular consequence: missense variant.
Genome position (GRCh38, 1-based): chr17:39,462,889, A>G. VCF-style: chr17-39462889-A-G. GRCh37 (hg19) VCF-style: chr17-37619142-A-G.
Other names: c.818A>G, p.Gln273Arg (NM_015083.4); short protein forms Q273R.
Identifiers: ClinVar variation 4868541 (VCV004868541.1).

ClinVar aggregate classification (germline): Uncertain significance (1 of 4 stars; one submission).

Submission:

Ambry Genetics
Classification: Uncertain significance. Last evaluated: 2026-05-17. Review status: criteria provided, single submitter. Criteria: Ambry Variant Classification Scheme 2023. Collection method: clinical testing. Allele origin: germline.
Comment: The p.Q273R variant (also known as c.818A>G), located in coding exon 1 of the CDK12 gene, results from an A to G substitution at nucleotide position 818. The glutamine at codon 273 is replaced by arginine, an amino acid with highly similar properties. This amino acid position is conserved. In addition, this alteration is predicted to be tolerated by in silico analysis. Based on the available evidence, the clinical significance of this variant remains unclear.